The following is an entry in ClinVar:

NM_001037333.3(CYFIP2):c.2570A>G (p.Asn857Ser)

Gene: CYFIP2 (cytoplasmic FMR1 interacting protein 2; plus strand). Cytogenetic location: 5q33.3.
Variant type: single nucleotide variant.
Coding change: c.2570A>G on transcript NM_001037333.3 (MANE Select); coding-DNA position 2570, A replaced by G.
Protein change: p.Asn857Ser; replaces asparagine 857 with serine.
Molecular consequence: missense variant.
Genome position (GRCh38, 1-based): chr5:157,339,241, A>G. VCF-style: chr5-157339241-A-G. GRCh37 (hg19) VCF-style: chr5-156766249-A-G.
Other names: c.2492A>G, p.Asn831Ser (NM_001291721.2); c.2645A>G, p.Asn882Ser (NM_001291722.2); c.2570A>G, p.Asn857Ser (NM_014376.4); short protein forms N857S, N831S, N882S.
Identifiers: ClinVar variation 4700167 (VCV004700167.1).

ClinVar aggregate classification (germline): Uncertain significance (1 of 4 stars; one submission).

gnomAD v4.1: 2 of 1,599,660 alleles (0.00013%); highest among the groups gnomAD compares: Non-Finnish European, 0.000085%; no homozygotes.

Submission:

Labcorp Genetics (formerly Invitae), Labcorp
Classification: Uncertain significance. Last evaluated: 2025-02-13. Review status: criteria provided, single submitter. Criteria: Invitae Variant Classification Sherloc (09022015). Collection method: clinical testing. Allele origin: germline.
Comment: This sequence change replaces asparagine, which is neutral and polar, with serine, which is neutral and polar, at codon 857 of the CYFIP2 protein (p.Asn857Ser). This variant is not present in population databases (gnomAD no frequency). This variant has not been reported in the literature in individuals affected with CYFIP2-related conditions. Experimental studies and prediction algorithms are not available or were not evaluated, and the functional significance of this variant is currently unknown. In summary, the available evidence is currently insufficient to determine the role of this variant in disease. Therefore, it has been classified as a Variant of Uncertain Significance.